The following is an entry in ClinVar:

NM_001614.5(ACTG1):c.994C>G (p.Pro332Ala)

Gene: ACTG1 (actin gamma 1; minus strand). Cytogenetic location: 17q25.3.
Variant type: single nucleotide variant.
Coding change: c.994C>G on transcript NM_001614.5 (MANE Select); coding-DNA position 994, C replaced by G.
Protein change: p.Pro332Ala; replaces proline 332 with alanine.
Molecular consequence: missense variant. On other transcripts: non-coding transcript variant (1).
Genome position (GRCh38, 1-based): chr17:81,510,824, G>C on the plus strand (C>G on the coding strand, the complement: ACTG1 is on the minus strand). VCF-style: chr17-81510824-G-C. GRCh37 (hg19) VCF-style: chr17-79477850-G-C.
Other names: c.994C>G, p.Pro332Ala (NM_001199954.3); short protein forms P332A.
Identifiers: ClinVar variation 18317 (VCV000018317.6), dbSNP rs104894545, ClinGen allele CA258158.

ClinVar aggregate classification (germline): Pathogenic/Likely pathogenic. Review status: criteria provided, multiple submitters, no conflicts (2 of 4 stars). 4 submissions from 4 submitters: Pathogenic (2); Likely pathogenic (1). 1 of the submissions does not count toward it. Last evaluated 2025-12-24.

Conditions:
ACTG1-related disorder. Also called: ACTG1-related disorders; ACTG1-related condition.
Autosomal dominant nonsyndromic hearing loss 20. Identifiers: Orphanet 90635, MedGen C1858172, MONDO:0011480, OMIM 604717.
Baraitser-winter syndrome 2. Identifiers: Orphanet 2995, MedGen C3281235, MONDO:0013812, OMIM 614583.

Submissions (4):

Labcorp Genetics (formerly Invitae), Labcorp
Classification: Pathogenic for Baraitser-winter syndrome 2; Autosomal dominant nonsyndromic hearing loss 20. Last evaluated: 2025-12-24. Review status: criteria provided, single submitter. Criteria: Invitae Variant Classification Sherloc (09022015). Collection method: clinical testing. Allele origin: germline.
Comment: This sequence change replaces proline, which is neutral and non-polar, with alanine, which is neutral and non-polar, at codon 332 of the ACTG1 protein (p.Pro332Ala). This variant is not present in population databases (gnomAD no frequency). This missense change has been observed in individual(s) with deafness (PMID: 13680526). It has also been observed to segregate with disease in related individuals. ClinVar contains an entry for this variant (Variation ID: 18317). Invitae Evidence Modeling of protein sequence and biophysical properties (such as structural, functional, and spatial information, amino acid conservation, physicochemical variation, residue mobility, and thermodynamic stability) indicates that this missense variant is not expected to disrupt ACTG1 protein function with a negative predictive value of 80%. Experimental studies have shown that this missense change affects ACTG1 function (PMID: 19419963). For these reasons, this variant has been classified as Pathogenic.

Blueprint Genetics
Classification: Pathogenic for ACTG1-related disorders. Last evaluated: 2022-10-03. Review status: criteria provided, single submitter. Criteria: ACMG Guidelines, 2015. Collection method: clinical testing. Allele origin: germline. Affected: yes. Observed: 1 variant allele.

Precision Medicine Center, Zhengzhou University
Classification: Likely pathogenic for Autosomal dominant nonsyndromic hearing loss 20. Last evaluated: 2006-06-30. Review status: criteria provided, single submitter. Criteria: ClinGen HL ACMG Specifications v1. Collection method: clinical testing. Allele origin: paternal. Affected: yes.
Comment: PM2+PM5+PS3_supporting+PP3:The ACTG1 c.994C>G variant is absent or extremely rare in population databases (PM2). It occurs at an amino acid residue where another pathogenic missense variant has been previously reported (PMID: 32341388)(PM5). Supporting functional studies suggest impaired protein function (PMID: 13680526, 19419963) (PS3_Supporting), and multiple computational prediction tools indicate a deleterious effect (PP3). According to the ACMG/AMP guidelines, this variant is classified as Likely Pathogenic.

OMIM
Classification: Pathogenic for DEAFNESS, AUTOSOMAL DOMINANT 20. Last evaluated: 2003-11-01. Review status: no assertion criteria provided. Collection method: literature only. Allele origin: germline. Not counted in ClinVar's aggregate classification.

Literature cited by the submitters: PubMed 13680526 (cited by 3 submitters); PubMed 19419963 (cited by Labcorp Genetics (formerly Invitae), Labcorp and Precision Medicine Center, Zhengzhou University); Yang, T., Smith, R. A novel locus DFNA26 maps to chromosome 17q25 in two unrelated families with progressive autosomal dominant hearing loss. (Abstract) Am. J. Hum. Genet. 67 (suppl. 2): 300-only, 2000. (cited by OMIM).